The following is an entry in ClinVar:

NM_006231.4(POLE):c.1227-13A>T

Gene: POLE (DNA polymerase epsilon, catalytic subunit; minus strand). Cytogenetic location: 12q24.33.
Variant type: single nucleotide variant.
Coding change: c.1227-13A>T on transcript NM_006231.4 (MANE Select); 13 bases into the intron before coding-DNA position 1227, A replaced by T.
Molecular consequence: intron variant.
Genome position (GRCh38, 1-based): chr12:132,673,720, T>A on the plus strand (A>T on the coding strand, the complement: POLE is on the minus strand). VCF-style: chr12-132673720-T-A. GRCh37 (hg19) VCF-style: chr12-133250306-T-A.
Identifiers: ClinVar variation 3904236 (VCV003904236.1).

ClinVar aggregate classification (germline): Likely benign (1 of 4 stars; one submission).

Conditions:
Colorectal cancer, susceptibility to, 12 (CRCS12). Also called: COLORECTAL CANCER, SUSCEPTIBILITY TO, ON CHROMOSOME 12q24. Identifiers: Orphanet 220460, MedGen C3554460, MONDO:0014038, OMIM 615083.

Submission:

Myriad Genetics, Inc.
Classification: Likely benign for Colorectal cancer, susceptibility to, 12. Last evaluated: 2025-02-10. Review status: criteria provided, single submitter. Criteria: Myriad Autosomal Dominant, Autosomal Recessive and X-Linked Classification Criteria (2023). Collection method: clinical testing. Allele origin: unknown.
Comment: This variant is considered likely benign. This variant is intronic and is not expected to impact mRNA splicing.